The following is an entry in ClinVar:

ClinVar aggregate classification (germline): Uncertain significance. Review status: criteria provided, multiple submitters, no conflicts (2 of 4 stars). 2 submissions from 2 submitters: Uncertain significance (2). Last evaluated 2022-01-16.

Conditions:
Neurodevelopmental disorder with or without hyperkinetic movements and seizures, autosomal dominant. Also called: Intellectual disability, autosomal dominant 8. Identifiers: MedGen C3280282, MONDO:0013655, OMIM 614254.

Allele frequency attached by ClinVar (database versions not stated): gnomAD exomes below 0.00001.
gnomAD v4.1: 1 of 1,560,910 alleles (0.000064%); highest among the groups gnomAD compares: Non-Finnish European, 0.000087%; no homozygotes.

Submissions (2):

Labcorp Genetics (formerly Invitae), Labcorp
Classification: Uncertain significance for Neurodevelopmental disorder with or without hyperkinetic movements and seizures, autosomal dominant. Last evaluated: 2022-01-16. Review status: criteria provided, single submitter. Criteria: Invitae Variant Classification Sherloc (09022015). Collection method: clinical testing. Allele origin: germline.
Comment: In summary, the available evidence is currently insufficient to determine the role of this variant in disease. Therefore, it has been classified as a Variant of Uncertain Significance. Advanced modeling of protein sequence and biophysical properties (such as structural, functional, and spatial information, amino acid conservation, physicochemical variation, residue mobility, and thermodynamic stability) performed at Invitae indicates that this missense variant is expected to disrupt GRIN1 protein function. This variant has not been reported in the literature in individuals affected with GRIN1-related conditions. The frequency data for this variant in the population databases is considered unreliable, as metrics indicate poor data quality at this position in the gnomAD database. This sequence change replaces methionine, which is neutral and non-polar, with threonine, which is neutral and polar, at codon 512 of the GRIN1 protein (p.Met512Thr).

Blueprint Genetics
Classification: Uncertain significance. Last evaluated: 2021-12-01. Review status: criteria provided, single submitter. Criteria: ACMG Guidelines, 2015. Collection method: clinical testing. Allele origin: germline.

NM_007327.4(GRIN1):c.1535T>C (p.Met512Thr)

Gene: GRIN1 (glutamate ionotropic receptor NMDA type subunit 1; plus strand). Cytogenetic location: 9q34.3.
Variant type: single nucleotide variant.
Coding change: c.1535T>C on transcript NM_007327.4 (MANE Select); coding-DNA position 1535, T replaced by C.
Protein change: p.Met512Thr; replaces methionine 512 with threonine.
Molecular consequence: missense variant.
Genome position (GRCh38, 1-based): chr9:137,161,991, T>C. VCF-style: chr9-137161991-T-C. GRCh37 (hg19) VCF-style: chr9-140056443-T-C.
Other names: c.1535T>C, p.Met512Thr (NM_000832.7, NM_021569.4); c.1598T>C, p.Met533Thr (NM_001185090.2, NM_001185091.2); short protein forms M533T, M512T.
Identifiers: ClinVar variation 2085607 (VCV002085607.5), dbSNP rs1417831898, ClinGen allele CA375717258.